The following is an entry in ClinVar:

ClinVar aggregate classification (germline): Benign (1 of 4 stars; one submission).

gnomAD v4.1: 16,307 of 1,575,598 alleles (1%); highest among the groups gnomAD compares: Non-Finnish European, 1.2%; 117 homozygotes.

Submission:

CeGaT Center for Human Genetics Tuebingen
Classification: Benign. Last evaluated: 2024-08-01. Review status: criteria provided, single submitter. Criteria: CeGaT Center For Human Genetics Tuebingen Variant Classification Criteria Version 2. Collection method: clinical testing. Allele origin: germline. Affected: yes. Observed: 1 variant allele.
Comment: GOLGA3: BP4, BS1, BS2

NM_001389683.1(GOLGA3):c.1290+5C>T

Gene: GOLGA3 (golgin A3; minus strand). Cytogenetic location: 12q24.33.
Variant type: single nucleotide variant.
Coding change: c.1290+5C>T on transcript NM_001389683.1 (MANE Select); 5 bases into the intron after coding-DNA position 1290, C replaced by T.
Molecular consequence: intron variant.
Genome position (GRCh38, 1-based): chr12:132,807,172, G>A on the plus strand (C>T on the coding strand, the complement: GOLGA3 is on the minus strand). VCF-style: chr12-132807172-G-A. GRCh37 (hg19) VCF-style: chr12-133383758-G-A.
Other names: c.1290+5C>T (NM_001389684.1, NM_001389685.1, NM_005895.4 and 1 more transcripts); c.1017+5C>T (NM_001389689.1); c.1170+5C>T (NM_001389686.1, NM_001389687.1, NM_001389688.1).
Identifiers: ClinVar variation 3341522 (VCV003341522.16).